The following is an entry in ClinVar:

NM_000238.4(KCNH2):c.2052C>G (p.Ile684Met)

Gene: KCNH2 (potassium voltage-gated channel subfamily H member 2; minus strand). Cytogenetic location: 7q36.1.
Variant type: single nucleotide variant.
Coding change: c.2052C>G on transcript NM_000238.4 (MANE Select); coding-DNA position 2052, C replaced by G.
Protein change: p.Ile684Met; replaces isoleucine 684 with methionine.
Molecular consequence: missense variant.
Genome position (GRCh38, 1-based): chr7:150,951,014, G>C on the plus strand (C>G on the coding strand, the complement: KCNH2 is on the minus strand). VCF-style: chr7-150951014-G-C. GRCh37 (hg19) VCF-style: chr7-150648102-G-C.
Other names: c.1032C>G, p.Ile344Met (NM_001204798.2, NM_172057.3); c.1764C>G, p.Ile588Met (NM_001406753.1, NM_001406756.1); c.1875C>G, p.Ile625Met (NM_001406755.1); c.1752C>G, p.Ile584Met (NM_001406757.1); c.2052C>G, p.Ile684Met (NM_172056.3); short protein forms I684M, I584M, I588M, I625M, I344M.
Identifiers: ClinVar variation 2045933 (VCV002045933.4), dbSNP rs2486031100, ClinGen allele CA369857576.
Genomic context (GRCh38, chr7:150,951,014, plus strand): 5'-GGCGTGCTGGAAGTACTCCTCGAGGCGCTGGCGCAGGGGATTGGGGATCTGGTGGAAGCG[G>C]ATGAACTCCCGCACCCGCAGCATCTGTGTGTGGTAGCGGGCTGTGCCCGAGTACAGCCGC-3'
Protein context (NP_000229.1, residues 674-694): HTQMLRVREF[Ile684Met]RFHQIPNPLR

ClinVar aggregate classification (germline): Uncertain significance (1 of 4 stars; one submission).

Conditions:
Long QT syndrome (LQTS). Identifiers: MedGen C0023976, MeSH D008133, MONDO:0002442. Disease mechanism: loss of function. Inheritance: Various modes of inheritance.

Allele frequency attached by ClinVar (database versions not stated): gnomAD exomes below 0.00001.
gnomAD v4.1: 1 of 1,614,232 alleles (0.000062%); highest among the groups gnomAD compares: Non-Finnish European, 0.000085%; no homozygotes.

Submission:

Labcorp Genetics (formerly Invitae), Labcorp
Classification: Uncertain significance for Long QT syndrome. Last evaluated: 2022-04-28. Review status: criteria provided, single submitter. Criteria: Invitae Variant Classification Sherloc (09022015). Collection method: clinical testing. Allele origin: germline.
Comment: This sequence change replaces isoleucine, which is neutral and non-polar, with methionine, which is neutral and non-polar, at codon 684 of the KCNH2 protein (p.Ile684Met). This variant is not present in population databases (gnomAD no frequency). This variant has not been reported in the literature in individuals affected with KCNH2-related conditions. Algorithms developed to predict the effect of missense changes on protein structure and function are either unavailable or do not agree on the potential impact of this missense change (SIFT: "Deleterious"; PolyPhen-2: "Probably Damaging"; Align-GVGD: "Class C0"). In summary, the available evidence is currently insufficient to determine the role of this variant in disease. Therefore, it has been classified as a Variant of Uncertain Significance.